The following is an entry in ClinVar:

NM_152783.5(D2HGDH):c.1195G>A (p.Val399Met)

Gene: D2HGDH (D-2-hydroxyglutarate dehydrogenase; plus strand). Cytogenetic location: 2q37.3.
Variant type: single nucleotide variant.
Coding change: c.1195G>A on transcript NM_152783.5 (MANE Select); coding-DNA position 1195, G replaced by A.
Protein change: p.Val399Met; replaces valine 399 with methionine.
Molecular consequence: missense variant. On other transcripts: non-coding transcript variant (1).
Genome position (GRCh38, 1-based): chr2:241,755,903, G>A. VCF-style: chr2-241755903-G-A. GRCh37 (hg19) VCF-style: chr2-242695318-G-A.
Other names: c.793G>A, p.Val265Met (NM_001287249.2); c.634G>A, p.Val212Met (NM_001352824.2); short protein forms V212M, V265M, V399M.
Identifiers: ClinVar variation 1705206 (VCV001705206.4), dbSNP rs746519212, ClinGen allele CA2222115.

ClinVar aggregate classification (germline): Uncertain significance. Review status: criteria provided, multiple submitters, no conflicts (2 of 4 stars). 3 submissions from 3 submitters: Uncertain significance (3). Last evaluated 2024-08-06.

Conditions:
D-2-hydroxyglutaric aciduria 1 (D2HGA1). Identifiers: Orphanet 79315, MedGen C3152055, MONDO:0024554, OMIM 600721.

Allele frequency attached by ClinVar (database versions not stated): ExAC 0.00001; gnomAD exomes 0.00002; gnomAD 0.00003; TOPMed 0.00004.

Submissions (3):

Blueprint Genetics
Classification: Uncertain significance. Last evaluated: 2024-08-06. Review status: criteria provided, single submitter. Criteria: ACMG Guidelines, 2015. Collection method: clinical testing. Allele origin: germline.

Women's Health and Genetics/Laboratory Corporation of America, LabCorp
Classification: Uncertain significance. Last evaluated: 2022-08-25. Review status: criteria provided, single submitter. Criteria: LabCorp Variant Classification Summary - May 2015. Collection method: clinical testing. Allele origin: germline.
Comment: Variant summary: D2HGDH c.1195G>A (p.Val399Met) results in a conservative amino acid change located in the C-terminal FAD-linked oxidase domain (IPR004113) of the encoded protein sequence. Four of five in-silico tools predict a damaging effect of the variant on protein function. The variant allele was found at a frequency of 1.2e-05 in 251008 control chromosomes (gnomAD). The variant, c.1195G>A has been reported in the literature in a compound heterozygous individual affected with D-2 Hydroxyglutaric Aciduria 1 (Kranendijk_2010 through LOVD). These data do not allow clear conclusions about variant significance. At least one publication reported experimental evidence evaluating an impact on protein function, and demonstrated that the variant results in about 25% of normal activity (Pop_2019). No clinical diagnostic laboratories have submitted clinical-significance assessments for this variant to ClinVar after 2014. Based on the evidence outlined above, the variant was classified as VUS-possibly pathogenic.

Labcorp Genetics (formerly Invitae), Labcorp
Classification: Uncertain significance for D-2-hydroxyglutaric aciduria 1. Last evaluated: 2022-07-06. Review status: criteria provided, single submitter. Criteria: Invitae Variant Classification Sherloc (09022015). Collection method: clinical testing. Allele origin: germline.
Comment: This sequence change replaces valine, which is neutral and non-polar, with methionine, which is neutral and non-polar, at codon 399 of the D2HGDH protein (p.Val399Met). This variant is present in population databases (rs746519212, gnomAD 0.003%). This variant has not been reported in the literature in individuals affected with D2HGDH-related conditions. Algorithms developed to predict the effect of missense changes on protein structure and function are either unavailable or do not agree on the potential impact of this missense change (SIFT: "Tolerated"; PolyPhen-2: "Possibly Damaging"; Align-GVGD: "Class C0"). Experimental studies have shown that this missense change affects D2HGDH function (PMID: 30908763, 33431826). In summary, the available evidence is currently insufficient to determine the role of this variant in disease. Therefore, it has been classified as a Variant of Uncertain Significance.

Literature cited by the submitters: PubMed 20020533 (cited by Women's Health and Genetics/Laboratory Corporation of America, LabCorp); PubMed 30908763 (cited by Women's Health and Genetics/Laboratory Corporation of America, LabCorp and Labcorp Genetics (formerly Invitae), Labcorp); PubMed 33431826 (cited by Women's Health and Genetics/Laboratory Corporation of America, LabCorp and Labcorp Genetics (formerly Invitae), Labcorp).